The following is an entry in ClinVar:

NM_000937.5(POLR2A):c.575G>T (p.Arg192Leu)

Gene: POLR2A (RNA polymerase II subunit A; plus strand). Cytogenetic location: 17p13.1.
Variant type: single nucleotide variant.
Coding change: c.575G>T on transcript NM_000937.5 (MANE Select); coding-DNA position 575, G replaced by T.
Protein change: p.Arg192Leu; replaces arginine 192 with leucine.
Molecular consequence: missense variant.
Genome position (GRCh38, 1-based): chr17:7,496,801, G>T. VCF-style: chr17-7496801-G-T. GRCh37 (hg19) VCF-style: chr17-7400120-G-T.
Other names: short protein forms R192L.
Identifiers: ClinVar variation 2647340 (VCV002647340.24), dbSNP rs572552203, ClinGen allele CA397861189.

ClinVar aggregate classification (germline): Uncertain significance (1 of 4 stars; one submission).

Submission:

CeGaT Center for Human Genetics Tuebingen
Classification: Uncertain significance. Last evaluated: 2022-08-01. Review status: criteria provided, single submitter. Criteria: CeGaT Center For Human Genetics Tuebingen Variant Classification Criteria Version 2. Collection method: clinical testing. Allele origin: germline. Affected: yes. Observed: 1 variant allele.
Comment: POLR2A: PM2, PP2